The following is an entry in ClinVar:

NM_000321.3(RB1):c.2386C>A (p.Pro796Thr)

Gene: RB1 (RB transcriptional corepressor 1; plus strand). Cytogenetic location: 13q14.2.
Variant type: single nucleotide variant.
Coding change: c.2386C>A on transcript NM_000321.3 (MANE Select); coding-DNA position 2386, C replaced by A.
Protein change: p.Pro796Thr; replaces proline 796 with threonine.
Molecular consequence: missense variant.
Genome position (GRCh38, 1-based): chr13:48,465,265, C>A. VCF-style: chr13-48465265-C-A. GRCh37 (hg19) VCF-style: chr13-49039401-C-A.
Other names: c.2386C>A, p.Pro796Thr (NM_001407165.1); short protein forms P796T.
Identifiers: ClinVar variation 2699974 (VCV002699974.4), dbSNP rs2138345735, ClinGen allele CA388167871.

ClinVar aggregate classification (germline): Uncertain significance. Review status: criteria provided, multiple submitters, no conflicts (2 of 4 stars). 2 submissions from 2 submitters: Uncertain significance (2). Last evaluated 2025-06-03.

Conditions:
Hereditary cancer-predisposing syndrome. Also called: Neoplastic Syndromes, Hereditary; Tumor predisposition; Hereditary neoplastic syndrome; Hereditary Cancer Syndrome. Identifiers: Orphanet 140162, MedGen C0027672, MeSH D009386, MONDO:0015356.
Retinoblastoma (RB1). Also called: RETINOBLASTOMA, SOMATIC. Identifiers: Orphanet 790, MedGen C0035335, MeSH D012175, MONDO:0008380, OMIM 180200, HP:0009919. Disease mechanism: loss of function. Inheritance: Both sporadic and heritable forms are tested..

Submissions (2):

Ambry Genetics
Classification: Uncertain significance for Hereditary cancer-predisposing syndrome. Last evaluated: 2025-06-03. Review status: criteria provided, single submitter. Criteria: Ambry Variant Classification Scheme 2023. Collection method: clinical testing. Allele origin: germline.
Comment: The p.P796T variant (also known as c.2386C>A), located in coding exon 23 of the RB1 gene, results from a C to A substitution at nucleotide position 2386. The proline at codon 796 is replaced by threonine, an amino acid with highly similar properties. This amino acid position is conserved. In addition, this alteration is predicted to be deleterious by in silico analysis. Based on the available evidence, the clinical significance of this variant remains unclear.

Labcorp Genetics (formerly Invitae), Labcorp
Classification: Uncertain significance for Retinoblastoma. Last evaluated: 2022-11-15. Review status: criteria provided, single submitter. Criteria: Invitae Variant Classification Sherloc (09022015). Collection method: clinical testing. Allele origin: germline.
Comment: In summary, the available evidence is currently insufficient to determine the role of this variant in disease. Therefore, it has been classified as a Variant of Uncertain Significance. Advanced modeling of protein sequence and biophysical properties (such as structural, functional, and spatial information, amino acid conservation, physicochemical variation, residue mobility, and thermodynamic stability) performed at Invitae indicates that this missense variant is expected to disrupt RB1 protein function. This variant has not been reported in the literature in individuals affected with RB1-related conditions. This variant is not present in population databases (gnomAD no frequency). This sequence change replaces proline, which is neutral and non-polar, with threonine, which is neutral and polar, at codon 796 of the RB1 protein (p.Pro796Thr).